The following is an entry in ClinVar:

NM_003072.5(SMARCA4):c.2825G>A (p.Trp942Ter)

Gene: SMARCA4 (SWI/SNF related BAF chromatin remodeling complex subunit ATPase 4; plus strand). Cytogenetic location: 19p13.2.
Variant type: single nucleotide variant.
Coding change: c.2825G>A on transcript NM_003072.5 (MANE Select); coding-DNA position 2825, G replaced by A.
Protein change: p.Trp942Ter; replaces tryptophan 942 with a stop codon.
Molecular consequence: nonsense. On other transcripts: non-coding transcript variant (1).
Genome position (GRCh38, 1-based): chr19:11,021,933, G>A. VCF-style: chr19-11021933-G-A. GRCh37 (hg19) VCF-style: chr19-11132609-G-A.
Other names: c.2825G>A, p.Trp942Ter (NM_001128844.3, NM_001128845.2, NM_001128846.2 and 5 more transcripts); short protein forms W942*.
Identifiers: ClinVar variation 1458393 (VCV001458393.7), dbSNP rs2146422618, ClinGen allele CA404056856.
Genomic context (GRCh38, chr19:11,021,933, plus strand): 5'-GGGCGCTGCTCAACTTCCTGCTGCCCACCATCTTCAAGAGCTGCAGCACCTTCGAGCAGT[G>A]GTTTAACGCACCCTTTGCCATGACCGGGGAAAAGGTGGGTTTGCCCAGCTGTGCCCATGC-3'

ClinVar aggregate classification (germline): Pathogenic. Review status: criteria provided, multiple submitters, no conflicts (2 of 4 stars). 2 submissions from 2 submitters: Pathogenic (2). Last evaluated 2026-05-18.

Conditions:
Rhabdoid tumor predisposition syndrome 2 (RTPS2). Identifiers: Orphanet 231108, Orphanet 69077, MedGen C2750074, MONDO:0013224, OMIM 613325.

Submissions (2):

Myriad Genetics, Inc.
Classification: Pathogenic for Rhabdoid tumor predisposition syndrome 2. Last evaluated: 2026-05-18. Review status: criteria provided, single submitter. Criteria: Myriad Autosomal Dominant, Autosomal Recessive and X-Linked Classification Criteria (2023). Collection method: clinical testing. Allele origin: unknown.
Comment: This variant is considered pathogenic. This variant creates a termination codon and is predicted to result in premature protein truncation.

Labcorp Genetics (formerly Invitae), Labcorp
Classification: Pathogenic for Rhabdoid tumor predisposition syndrome 2. Last evaluated: 2020-12-31. Review status: criteria provided, single submitter. Criteria: Invitae Variant Classification Sherloc (09022015). Collection method: clinical testing. Allele origin: germline.
Comment: For these reasons, this variant has been classified as Pathogenic. This variant has not been reported in the literature in individuals with SMARCA4-related conditions. This variant is not present in population databases (ExAC no frequency). This sequence change creates a premature translational stop signal (p.Trp942*) in the SMARCA4 gene. It is expected to result in an absent or disrupted protein product. Loss-of-function variants in SMARCA4 are known to be pathogenic (PMID: 24658001, 24658002).

Literature cited by the submitters: PubMed 24658001 (cited by Labcorp Genetics (formerly Invitae), Labcorp); PubMed 24658002 (cited by Labcorp Genetics (formerly Invitae), Labcorp).